The following is an entry in ClinVar:

NM_001037131.3(AGAP1):c.2053G>T (p.Ala685Ser)

Gene: AGAP1 (ArfGAP with GTPase domain, ankyrin repeat and PH domain 1; plus strand). Cytogenetic location: 2q37.2.
Variant type: single nucleotide variant.
Coding change: c.2053G>T on transcript NM_001037131.3 (MANE Select); coding-DNA position 2053, G replaced by T.
Protein change: p.Ala685Ser; replaces alanine 685 with serine.
Molecular consequence: missense variant.
Genome position (GRCh38, 1-based): chr2:236,049,220, G>T. VCF-style: chr2-236049220-G-T. GRCh37 (hg19) VCF-style: chr2-236957864-G-T.
Other names: c.1894G>T, p.Ala632Ser (NM_014914.5); short protein forms A685S, A632S.
Identifiers: ClinVar variation 2106673 (VCV002106673.4), dbSNP rs1382921787, ClinGen allele CA351167283.
Genomic context (GRCh38, chr2:236,049,220, plus strand): 5'-GACCTGGATGACTGGCCAGTCGAGCTCATCAAGGTGATGTCATCCATCGGGAACGAGCTA[G>T]CCAACAGCGTCTGGGAAGAGAGCAGCCAGGGGCGGACGAAACCATCGGTAGACTCCACAA-3'
Protein context (NP_001032208.1, residues 675-695): KVMSSIGNEL[Ala685Ser]NSVWEESSQG

ClinVar aggregate classification (germline): Uncertain significance (1 of 4 stars; one submission).

gnomAD v4.1: 1 of 1,614,222 alleles (0.000062%); highest among the groups gnomAD compares: Admixed American, 0.0017%; no homozygotes.

Submission:

Labcorp Genetics (formerly Invitae), Labcorp
Classification: Uncertain significance. Last evaluated: 2024-11-11. Review status: criteria provided, single submitter. Criteria: Invitae Variant Classification Sherloc (09022015). Collection method: clinical testing. Allele origin: germline.
Comment: This sequence change replaces alanine, which is neutral and non-polar, with serine, which is neutral and polar, at codon 632 of the AGAP1 protein (p.Ala632Ser). This variant is present in population databases (no rsID available, gnomAD 0.003%). This variant has not been reported in the literature in individuals affected with AGAP1-related conditions. ClinVar contains an entry for this variant (Variation ID: 2106673). An algorithm developed to predict the effect of missense changes on protein structure and function (PolyPhen-2) suggests that this variant is likely to be disruptive. In summary, the available evidence is currently insufficient to determine the role of this variant in disease. Therefore, it has been classified as a Variant of Uncertain Significance.